The following is an entry in ClinVar:

NM_014391.3(ANKRD1):c.726G>A (p.Glu242=)

Gene: ANKRD1 (ankyrin repeat domain 1; minus strand). Cytogenetic location: 10q23.31.
Variant type: single nucleotide variant.
Coding change: c.726G>A on transcript NM_014391.3 (MANE Select); coding-DNA position 726, G replaced by A.
Protein change: p.Glu242=; no amino-acid change (glutamic acid 242 retained).
Molecular consequence: synonymous variant.
Genome position (GRCh38, 1-based): chr10:90,915,806, C>T on the plus strand (G>A on the coding strand, the complement: ANKRD1 is on the minus strand). VCF-style: chr10-90915806-C-T. GRCh37 (hg19) VCF-style: chr10-92675563-C-T.
Identifiers: ClinVar variation 3054308 (VCV003054308.2), dbSNP rs2492955702, ClinGen allele CA470764372.
Genomic context (GRCh38, chr10:90,915,806, plus strand): 5'-AAGCTTTGGGAAACCCGAGCGTGTCCAGCTACTCACTCTGTCTTTGGCGTTGAGGTCTGC[C>T]TCACAGGCGATAAGATGCTCCGCGCACTCATAGTGGCCAGTCCTCACCGCCACATGCAGC-3'
Protein context (NP_055206.2, residues 232-252): YECAEHLIAC[Glu242=]ADLNAKDREG

ClinVar aggregate classification (germline): Likely benign (0 of 4 stars; one submission).

Conditions:
ANKRD1-related disorder. Also called: ANKRD1-related condition.

Submission:

PreventionGenetics, part of Exact Sciences
Classification: Likely benign for ANKRD1-related condition. Last evaluated: 2020-03-27. Review status: no assertion criteria provided. Collection method: clinical testing. Allele origin: germline.
Comment: This variant is classified as likely benign based on ACMG/AMP sequence variant interpretation guidelines (Richards et al. 2015 PMID: 25741868, with internal and published modifications).